The following is an entry in ClinVar:

ClinVar aggregate classification (germline): Uncertain significance (1 of 4 stars; one submission).

Conditions:
Inborn genetic diseases. Identifiers: MedGen C0950123, MeSH D030342.

Submission:

Ambry Genetics
Classification: Uncertain significance for Inborn genetic diseases. Last evaluated: 2025-08-25. Review status: criteria provided, single submitter. Criteria: Ambry Variant Classification Scheme 2023. Collection method: clinical testing. Allele origin: germline.
Comment: The p.M764I variant (also known as c.2292G>A), located in coding exon 13 of the FANCM gene, results from a G to A substitution at nucleotide position 2292. The methionine at codon 764 is replaced by isoleucine, an amino acid with highly similar properties. This amino acid position is conserved. In addition, this alteration is predicted to be tolerated by in silico analysis. Based on the available evidence, the clinical significance of this variant remains unclear.

NM_020937.4(FANCM):c.2292G>A (p.Met764Ile)

Gene: FANCM (FA complementation group M; plus strand). Cytogenetic location: 14q21.2.
Variant type: single nucleotide variant.
Coding change: c.2292G>A on transcript NM_020937.4 (MANE Select); coding-DNA position 2292, G replaced by A.
Protein change: p.Met764Ile; replaces methionine 764 with isoleucine.
Molecular consequence: missense variant.
Genome position (GRCh38, 1-based): chr14:45,173,186, G>A. VCF-style: chr14-45173186-G-A. GRCh37 (hg19) VCF-style: chr14-45642389-G-A.
Other names: c.2214G>A, p.Met738Ile (NM_001308133.2); short protein forms M764I, M738I.
Identifiers: ClinVar variation 4254705 (VCV004254705.1).